The following is an entry in ClinVar:

NM_004370.6(COL12A1):c.4691T>C (p.Leu1564Ser)

Gene: COL12A1 (collagen type XII alpha 1 chain; minus strand). Cytogenetic location: 6q13.
Variant type: single nucleotide variant.
Coding change: c.4691T>C on transcript NM_004370.6 (MANE Select); coding-DNA position 4691, T replaced by C.
Protein change: p.Leu1564Ser; replaces leucine 1564 with serine.
Molecular consequence: missense variant.
Genome position (GRCh38, 1-based): chr6:75,143,388, A>G on the plus strand (T>C on the coding strand, the complement: COL12A1 is on the minus strand). VCF-style: chr6-75143388-A-G. GRCh37 (hg19) VCF-style: chr6-75853104-A-G.
Other names: c.1199T>C, p.Leu400Ser (NM_080645.3); short protein forms L1564S, L400S.
Identifiers: ClinVar variation 451784 (VCV000451784.12), dbSNP rs1554181762, ClinGen allele CA364742532.

ClinVar aggregate classification (germline): Uncertain significance. Review status: criteria provided, multiple submitters, no conflicts (2 of 4 stars). 3 submissions from 3 submitters: Uncertain significance (3). Last evaluated 2026-04-07.

Conditions:
Ullrich congenital muscular dystrophy 2 (UCMD2). Identifiers: Orphanet 75840, MedGen C4225314, MONDO:0014654, OMIM 616470.
Bethlem myopathy 2 (BTHLM2). Identifiers: Orphanet 536516, Orphanet 610, MedGen C4225313, MONDO:0034022, OMIM 616471.

Submissions (3):

Women's Health and Genetics/Laboratory Corporation of America, LabCorp
Classification: Uncertain significance. Last evaluated: 2026-04-07. Review status: criteria provided, single submitter. Criteria: LabCorp Variant Classification Summary - May 2015. Collection method: clinical testing. Allele origin: germline.
Comment: Variant summary: COL12A1 c.4691T>C (p.Leu1564Ser) results in a non-conservative amino acid change in the encoded protein sequence, near a canonical splice site. Algorithms developed to predict the effect of missense changes on protein structure and function are either unavailable or do not agree on the potential impact of this missense change. Consensus agreement among computation tools predicts no significant impact on normal splicing. However, these predictions have yet to be confirmed by functional studies. The variant was absent in 247278 control chromosomes. The available data on variant occurrences in the general population are insufficient to allow any conclusion about variant significance. To our knowledge, no occurrence of c.4691T>C in individuals affected with COL12A1-related conditions and no experimental evidence demonstrating its impact on protein function have been reported. ClinVar contains an entry for this variant (Variation ID: 451784). Based on the evidence outlined above, the variant was classified as uncertain significance.

Labcorp Genetics (formerly Invitae), Labcorp
Classification: Uncertain significance for Bethlem myopathy 2; Ullrich congenital muscular dystrophy 2. Last evaluated: 2018-12-30. Review status: criteria provided, single submitter. Criteria: Invitae Variant Classification Sherloc (09022015). Collection method: clinical testing. Allele origin: germline.
Comment: In summary, the available evidence is currently insufficient to determine the role of this variant in disease. Therefore, it has been classified as a Variant of Uncertain Significance. Algorithms developed to predict the effect of missense changes on protein structure and function output the following: SIFT: "Deleterious"; PolyPhen-2: "Benign"; Align-GVGD: "Class C0". The serine amino acid residue is found in multiple mammalian species, suggesting that this missense change does not adversely affect protein function. These predictions have not been confirmed by published functional studies and their clinical significance is uncertain. This variant has not been reported in the literature in individuals with COL12A1-related conditions. ClinVar contains an entry for this variant (Variation ID: 451784). This variant is not present in population databases (ExAC no frequency). This sequence change replaces leucine with serine at codon 1564 of the COL12A1 protein (p.Leu1564Ser). The leucine residue is moderately conserved and there is a large physicochemical difference between leucine and serine.

GeneDx
Classification: Uncertain significance. Last evaluated: 2017-08-31. Review status: criteria provided, single submitter. Criteria: GeneDx Variant Classification (06012015). Collection method: clinical testing. Allele origin: germline. Affected: yes.
Comment: The L1564S variant in the COL12A1 gene has not been reported previously as a pathogenic variant, nor as a benign variant, to our knowledge. This variant is not observed in large population cohorts (Lek et al., 2016; 1000 Genomes Consortium et al., 2015; Exome Variant Server). The L1564S variant is a non-conservative amino acid substitution, which is likely to impact secondary protein structure as these residues differ in polarity, charge, size and/or other properties. This substitution occurs at a position that is not conserved. In silico analysis predicts this variant is probably damaging to the protein structure/function. Based on currently available evidence, we interpret L1564S as a variant of uncertain significance.